The following is an entry in ClinVar:

NM_005751.5(AKAP9):c.3394C>T (p.Arg1132Cys)

Gene: AKAP9 (A-kinase anchoring protein 9; plus strand). Cytogenetic location: 7q21.2.
Variant type: single nucleotide variant.
Coding change: c.3394C>T on transcript NM_005751.5 (MANE Select); coding-DNA position 3394, C replaced by T.
Protein change: p.Arg1132Cys; replaces arginine 1132 with cysteine.
Molecular consequence: missense variant.
Genome position (GRCh38, 1-based): chr7:92,012,504, C>T. VCF-style: chr7-92012504-C-T. GRCh37 (hg19) VCF-style: chr7-91641818-C-T.
Other names: c.3394C>T, p.Arg1132Cys (NM_147185.3); short protein forms R1132C.
Identifiers: ClinVar variation 1353305 (VCV001353305.9), dbSNP rs768107825, ClinGen allele CA4336296.

ClinVar aggregate classification (germline): Uncertain significance. Review status: criteria provided, multiple submitters, no conflicts (2 of 4 stars). 2 submissions from 2 submitters: Uncertain significance (2). Last evaluated 2025-07-09.

Conditions:
Cardiovascular phenotype. Identifiers: MedGen CN230736.
Long QT syndrome (LQTS). Identifiers: MedGen C0023976, MeSH D008133, MONDO:0002442. Disease mechanism: loss of function. Inheritance: Various modes of inheritance.

Allele frequency attached by ClinVar (database versions not stated): TOPMed below 0.00001; ExAC 0.00002; gnomAD exomes 0.00002.
gnomAD v4.1: 18 of 1,613,920 alleles (0.0011%); highest among the groups gnomAD compares: East Asian, 0.0022%; no homozygotes.

Submissions (2):

Ambry Genetics
Classification: Uncertain significance for Cardiovascular phenotype. Last evaluated: 2025-07-09. Review status: criteria provided, single submitter. Criteria: Ambry Variant Classification Scheme 2023. Collection method: clinical testing. Allele origin: germline.
Comment: The p.R1132C variant (also known as c.3394C>T), located in coding exon 9 of the AKAP9 gene, results from a C to T substitution at nucleotide position 3394. The arginine at codon 1132 is replaced by cysteine, an amino acid with highly dissimilar properties. This amino acid position is conserved. In addition, this alteration is predicted to be tolerated by in silico analysis. Since supporting evidence is limited at this time, the clinical significance of this alteration remains unclear.

Labcorp Genetics (formerly Invitae), Labcorp
Classification: Uncertain significance for Long QT syndrome. Last evaluated: 2021-09-05. Review status: criteria provided, single submitter. Criteria: Invitae Variant Classification Sherloc (09022015). Collection method: clinical testing. Allele origin: germline.
Comment: In summary, the available evidence is currently insufficient to determine the role of this variant in disease. Therefore, it has been classified as a Variant of Uncertain Significance. Algorithms developed to predict the effect of missense changes on protein structure and function output the following: SIFT: "Deleterious"; PolyPhen-2: "Probably Damaging"; Align-GVGD: "Class C0". The cysteine amino acid residue is found in multiple mammalian species, which suggests that this missense change does not adversely affect protein function. This variant has not been reported in the literature in individuals affected with AKAP9-related conditions. This variant is present in population databases (rs768107825, ExAC 0.01%). This sequence change replaces arginine with cysteine at codon 1132 of the AKAP9 protein (p.Arg1132Cys). The arginine residue is moderately conserved and there is a large physicochemical difference between arginine and cysteine.